The following is an entry in ClinVar:

NM_001005242.3(PKP2):c.2063A>G (p.Gln688Arg)

Gene: PKP2 (plakophilin 2; minus strand). Cytogenetic location: 12p11.21.
Variant type: single nucleotide variant.
Coding change: c.2063A>G on transcript NM_001005242.3 (MANE Select); coding-DNA position 2063, A replaced by G.
Protein change: p.Gln688Arg; replaces glutamine 688 with arginine.
Molecular consequence: missense variant.
Genome position (GRCh38, 1-based): chr12:32,802,507, T>C on the plus strand (A>G on the coding strand, the complement: PKP2 is on the minus strand). VCF-style: chr12-32802507-T-C. GRCh37 (hg19) VCF-style: chr12-32955441-T-C.
Other names: c.2063A>G, p.Gln688Arg (NM_001407155.1); c.1898A>G, p.Gln633Arg (NM_001407156.1); c.1736A>G, p.Gln579Arg (NM_001407158.1, NM_001407159.1, NM_001407160.1); c.2195A>G, p.Gln732Arg (NM_004572.4); short protein forms Q732R, Q633R, Q579R, Q688R.
Identifiers: ClinVar variation 3889642 (VCV003889642.1).

ClinVar aggregate classification (germline): Uncertain significance (1 of 4 stars; one submission).

Conditions:
Cardiovascular phenotype. Identifiers: MedGen CN230736.

Submission:

Ambry Genetics
Classification: Uncertain significance for Cardiovascular phenotype. Last evaluated: 2024-12-14. Review status: criteria provided, single submitter. Criteria: Ambry Variant Classification Scheme 2023. Collection method: clinical testing. Allele origin: germline.
Comment: The p.Q732R variant (also known as c.2195A>G), located in coding exon 11 of the PKP2 gene, results from an A to G substitution at nucleotide position 2195. The glutamine at codon 732 is replaced by arginine, an amino acid with highly similar properties. This amino acid position is conserved. In addition, this alteration is predicted to be tolerated by in silico analysis. Based on the available evidence, the clinical significance of this variant remains unclear.